The following is an entry in ClinVar:

NM_001364905.1(LRBA):c.5062A>C (p.Ile1688Leu)

Gene: LRBA (LPS responsive beige-like anchor protein; minus strand). Cytogenetic location: 4q31.3.
Variant type: single nucleotide variant.
Coding change: c.5062A>C on transcript NM_001364905.1 (MANE Select); coding-DNA position 5062, A replaced by C.
Protein change: p.Ile1688Leu; replaces isoleucine 1688 with leucine.
Molecular consequence: missense variant.
Genome position (GRCh38, 1-based): chr4:150,828,289, T>G on the plus strand (A>C on the coding strand, the complement: LRBA is on the minus strand). VCF-style: chr4-150828289-T-G. GRCh37 (hg19) VCF-style: chr4-151749441-T-G.
Other names: c.5062A>C, p.Ile1688Leu (NM_001199282.3, NM_001367550.1, NM_006726.5); short protein forms I1688L.
Identifiers: ClinVar variation 1055166 (VCV001055166.7), dbSNP rs746205437, ClinGen allele CA3102590.
Genomic context (GRCh38, chr4:150,828,289, plus strand): 5'-GGGCTCCAAGGCAGGCTGGTGGCAGAAGGGCAGGATCCACTGTGACTCCATCTGCTGGTA[T>G]GTTAACCAAGCTTCGGAGAATGTCTTTCACATTGACGTTTTTTGAAACTGAAACTGACGG-3'
Protein context (NP_001351834.1, residues 1678-1698): VKDILRSLVN[Ile1688Leu]PADGVTVDPA

ClinVar aggregate classification (germline): Uncertain significance. Review status: criteria provided, multiple submitters, no conflicts (2 of 4 stars). 2 submissions from 2 submitters: Uncertain significance (2). Last evaluated 2022-12-12.

Conditions:
Combined immunodeficiency due to LRBA deficiency. Also called: Common variable immunodeficiency 8, with autoimmunity. Identifiers: Orphanet 445018, MedGen C3553512, MONDO:0013863, OMIM 614700.

Allele frequency attached by ClinVar (database versions not stated): gnomAD 0.00001; TOPMed 0.00001; ExAC 0.00002; gnomAD exomes 0.00002.
gnomAD v4.1: 7 of 1,614,072 alleles (0.00043%); highest among the groups gnomAD compares: East Asian, 0.016%; no homozygotes.

Submissions (2):

Blueprint Genetics
Classification: Uncertain significance. Last evaluated: 2022-12-12. Review status: criteria provided, single submitter. Criteria: ACMG Guidelines, 2015. Collection method: clinical testing. Allele origin: germline.

Labcorp Genetics (formerly Invitae), Labcorp
Classification: Uncertain significance for Combined immunodeficiency due to LRBA deficiency. Last evaluated: 2021-08-31. Review status: criteria provided, single submitter. Criteria: Invitae Variant Classification Sherloc (09022015). Collection method: clinical testing. Allele origin: germline.
Comment: This sequence change replaces isoleucine with leucine at codon 1688 of the LRBA protein (p.Ile1688Leu). The isoleucine residue is weakly conserved and there is a small physicochemical difference between isoleucine and leucine. This variant is present in population databases (rs746205437, ExAC 0.03%). This variant has not been reported in the literature in individuals affected with LRBA-related conditions. Algorithms developed to predict the effect of missense changes on protein structure and function (SIFT, PolyPhen-2, Align-GVGD) all suggest that this variant is likely to be tolerated. In summary, the available evidence is currently insufficient to determine the role of this variant in disease. Therefore, it has been classified as a Variant of Uncertain Significance.